The following is an entry in ClinVar:

ClinVar aggregate classification (germline): Uncertain significance (0 of 4 stars; one submission).

Allele frequency attached by ClinVar (database versions not stated): ExAC 0.00009; gnomAD exomes 0.00013 and 0.00027; 1000 Genomes Project 0.00020; gnomAD 0.00021; ESP Exome Variant Server 0.00023; TOPMed 0.00023; 1000 Genomes Project 30x 0.00031.
gnomAD v4.1: 417 of 1,614,216 alleles (0.026%); highest among the groups gnomAD compares: Middle Eastern, 0.066%; no homozygotes.

Submission:

Department of Pathology and Laboratory Medicine, Sinai Health System
Classification: Uncertain significance. Review status: no assertion criteria provided. Collection method: clinical testing. Allele origin: unknown. Affected: yes. Study: The Canadian Open Genetics Repository (COGR).
Comment: The ITPKC p.Pro506Ser variant was not identified in the literature nor was it identified in ClinVar or Cosmic. The variant was identified in dbSNP (ID: rs139491097), LOVD 3.0 and in control databases in 41 of 281572 chromosomes at a frequency of 0.000146 (Genome Aggregation Database Feb 27, 2017). The variant was observed in the following populations: European (non-Finnish) in 38 of 127904 chromosomes (freq: 0.000297), Other in 1 of 7216 chromosomes (freq: 0.000139) and African in 2 of 24966 chromosomes (freq: 0.00008), while the variant was not observed in the Latino, Ashkenazi Jewish, East Asian, European (Finnish), and South Asian populations. The p.Pro506 residue is conserved in mammals but not in more distantly related organisms and computational analyses (PolyPhen-2, SIFT, AlignGVGD, BLOSUM, MutationTaster) provide inconsisted predictions regarding the impact to the protein; this information is not predictive enough to rule out pathogenicity. The variant occurs outside of the splicing consensus sequence and in silico or computational prediction software programs (SpliceSiteFinder, MaxEntScan, NNSPLICE, GeneSplicer) do not predict a difference in splicing at the variant location. In summary, based on the above information the clinical significance of this variant cannot be determined with certainty at this time. This variant is classified as a variant of uncertain significance.

NM_025194.3(ITPKC):c.1516C>T (p.Pro506Ser)

Gene: ITPKC (inositol-trisphosphate 3-kinase C; plus strand). Cytogenetic location: 19q13.2.
Variant type: single nucleotide variant.
Coding change: c.1516C>T on transcript NM_025194.3 (MANE Select); coding-DNA position 1516, C replaced by T.
Protein change: p.Pro506Ser; replaces proline 506 with serine.
Molecular consequence: missense variant.
Genome position (GRCh38, 1-based): chr19:40,733,206, C>T. VCF-style: chr19-40733206-C-T. GRCh37 (hg19) VCF-style: chr19-41239111-C-T.
Other names: short protein forms P506S.
Identifiers: ClinVar variation 1050065 (VCV001050065.1), dbSNP rs139491097, ClinGen allele CA9450900.